The following is an entry in ClinVar:

ClinVar aggregate classification (germline): Benign/Likely benign. Review status: criteria provided, multiple submitters, no conflicts (2 of 4 stars). 8 submissions from 8 submitters: Benign (4); Likely benign (2). 2 of the submissions do not count toward it. Last evaluated 2026-01-28.

Conditions:
Kabuki syndrome 2 (KABUK2). Also called: KDM6A-Related Kabuki Syndrome. Identifiers: Orphanet 2322, MedGen C3275495, MONDO:0010465, OMIM 300867.

Submissions (8):

Labcorp Genetics (formerly Invitae), Labcorp
Classification: Benign for Kabuki syndrome 2. Last evaluated: 2026-01-28. Review status: criteria provided, single submitter. Criteria: Invitae Variant Classification Sherloc (09022015). Collection method: clinical testing. Allele origin: germline.

Mayo Clinic Laboratories, Mayo Clinic
Classification: Benign. Last evaluated: 2025-10-07. Review status: criteria provided, single submitter. Criteria: ACMG Guidelines, 2015. Collection method: clinical testing. Allele origin: germline. Observed: 3 variant alleles.
Comment: BA1, BP3

Blueprint Genetics
Classification: Likely benign. Last evaluated: 2024-08-23. Review status: criteria provided, single submitter. Criteria: ACMG Guidelines, 2015. Collection method: clinical testing. Allele origin: germline.

GeneDx
Classification: Likely benign. Last evaluated: 2019-05-10. Review status: criteria provided, single submitter. Criteria: GeneDx Variant Classification Process June 2021. Collection method: clinical testing. Allele origin: germline. Affected: yes.

Genetic Services Laboratory, University of Chicago
Classification: Benign. Last evaluated: 2018-12-27. Review status: criteria provided, single submitter. Criteria: ACMG Guidelines, 2015. Collection method: clinical testing. Allele origin: germline. Affected: no.

Eurofins Ntd Llc (ga)
Classification: Benign. Last evaluated: 2015-05-26. Review status: criteria provided, single submitter. Criteria: EGL Classification Definitions. Collection method: clinical testing. Allele origin: germline. Observed: 1 variant allele, 1 hemizygote.

Clinical Genetics DNA and cytogenetics Diagnostics Lab, Erasmus MC, Erasmus Medical Center
Classification: Benign. Review status: no assertion criteria provided. Collection method: clinical testing. Allele origin: germline. Affected: yes. Study: VKGL Data-share Consensus. Not counted in ClinVar's aggregate classification.

Diagnostic Laboratory, Department of Genetics, University Medical Center Groningen
Classification: Benign. Review status: no assertion criteria provided. Collection method: clinical testing. Allele origin: germline. Affected: yes. Study: VKGL Data-share Consensus. Not counted in ClinVar's aggregate classification.

NM_001291415.2(KDM6A):c.42CGC[4] (p.Ala17dup)

Gene: KDM6A (lysine demethylase 6A; plus strand). Cytogenetic location: Xp11.3.
Variant type: Microsatellite.
Coding change: c.42CGC[4] on transcript NM_001291415.2 (MANE Select); four copies in a row of the 3-base unit CGC starting at c.42; the reference has three copies in a row; one copy, 3 bases duplicated.
Protein change: p.Ala17dup; duplicates alanine 17.
Molecular consequence: inframe insertion. On other transcripts: 5 prime UTR variant (1), non-coding transcript variant (1).
Genome position (GRCh38, 1-based): chrX:44,873,599-44,873,601, CGC duplicated; duplicating any 3 consecutive bases within chrX:44,873,591-44,873,601 gives the same sequence; the position shown is the placement nearest the transcript's 3' end. VCF-style (leftmost placement, unchanged base first): chrX-44873590-T-TGCC. GRCh37 (hg19) VCF-style: chrX-44732836-T-TGCC.
Other names: p.Ala17dup; c.48_50dupCGC (NM_021140.3); c.42CGC[4], p.Ala17dup (NM_001291416.2, NM_001291417.2, NM_001291418.2 and 1 more transcripts); c.-591CGC[4] (NM_001291421.2).
Identifiers: ClinVar variation 193446 (VCV000193446.25), dbSNP rs797044622, ClinGen allele CA200581.